The following is an entry in ClinVar:

ClinVar aggregate classification (germline): Uncertain significance. Review status: criteria provided, single submitter (1 of 4 stars). 2 submissions from 2 submitters: Uncertain significance (1). 1 of the submissions does not count toward it. Last evaluated 2025-12-03.

Conditions:
NBAS-related disorder. Also called: NBAS-related condition.

Allele frequency attached by ClinVar (database versions not stated): ExAC 0.00001; gnomAD 0.00001; gnomAD exomes 0.00001; TOPMed 0.00002.
gnomAD v4.1: 20 of 1,558,970 alleles (0.0013%); highest among the groups gnomAD compares: South Asian, 0.0034%; no homozygotes.

Submissions (2):

Labcorp Genetics (formerly Invitae), Labcorp
Classification: Uncertain significance. Last evaluated: 2025-12-03. Review status: criteria provided, single submitter. Criteria: Invitae Variant Classification Sherloc (09022015). Collection method: clinical testing. Allele origin: germline.
Comment: This sequence change falls in intron 21 of the NBAS gene. It does not directly change the encoded amino acid sequence of the NBAS protein. The frequency data for this variant in the population databases is considered unreliable, as metrics indicate poor data quality at this position in the gnomAD database. This variant has not been reported in the literature in individuals affected with NBAS-related conditions. ClinVar contains an entry for this variant (Variation ID: 1922551). Algorithms developed to predict the effect of sequence changes on RNA splicing suggest that this variant may disrupt the consensus splice site. In summary, the available evidence is currently insufficient to determine the role of this variant in disease. Therefore, it has been classified as a Variant of Uncertain Significance.

PreventionGenetics, part of Exact Sciences
Classification: Likely benign for NBAS-related condition. Last evaluated: 2020-11-03. Review status: no assertion criteria provided. Collection method: clinical testing. Allele origin: germline. Not counted in ClinVar's aggregate classification.
Comment: This variant is classified as likely benign based on ACMG/AMP sequence variant interpretation guidelines (Richards et al. 2015 PMID: 25741868, with internal and published modifications).

NM_015909.4(NBAS):c.2340-10T>A

Gene: NBAS (NBAS subunit of NRZ tethering complex; minus strand). Cytogenetic location: 2p24.3.
Variant type: single nucleotide variant.
Coding change: c.2340-10T>A on transcript NM_015909.4 (MANE Select); 10 bases into the intron before coding-DNA position 2340, T replaced by A.
Molecular consequence: intron variant.
Genome position (GRCh38, 1-based): chr2:15,427,804, A>T on the plus strand (T>A on the coding strand, the complement: NBAS is on the minus strand). VCF-style: chr2-15427804-A-T. GRCh37 (hg19) VCF-style: chr2-15567928-A-T.
Other names: c.2340-10T>A (NM_015909.3).
Identifiers: ClinVar variation 1922551 (VCV001922551.6), dbSNP rs755074786, ClinGen allele CA1536378.